The following is an entry in ClinVar:

NM_033380.3(COL4A5):c.4652T>C (p.Met1551Thr)

Gene: COL4A5 (collagen type IV alpha 5 chain; plus strand). Cytogenetic location: Xq22.3.
Variant type: single nucleotide variant.
Coding change: c.4652T>C on transcript NM_033380.3 (MANE Select); coding-DNA position 4652, T replaced by C.
Protein change: p.Met1551Thr; replaces methionine 1551 with threonine.
Molecular consequence: missense variant.
Genome position (GRCh38, 1-based): chrX:108,692,871, T>C. VCF-style: chrX-108692871-T-C. GRCh37 (hg19) VCF-style: chrX-107936101-T-C.
Other names: c.4634T>C, p.Met1545Thr (NM_000495.5); c.4634T>C (NM_000495.3); short protein forms M1545T, M1551T.
Identifiers: ClinVar variation 373019 (VCV000373019.5), dbSNP rs1057518146, ClinGen allele CA16043195.

ClinVar aggregate classification (germline): Uncertain significance. Review status: criteria provided, multiple submitters, no conflicts (2 of 4 stars). 3 submissions from 3 submitters: Uncertain significance (2). 1 of the submissions does not count toward it. Last evaluated 2022-06-03.

Conditions:
Inborn genetic diseases. Identifiers: MedGen C0950123, MeSH D030342.
X-linked Alport syndrome (ATS1). Also called: NEPHROPATHY AND DEAFNESS, X-LINKED; COL4A5-Related Nephropathy. Identifiers: Orphanet 63, Orphanet 88917, MedGen C4746986, MONDO:0010520, OMIM 301050.

Submissions (3):

Ambry Genetics
Classification: Uncertain significance for Inborn genetic diseases. Last evaluated: 2022-06-03. Review status: criteria provided, single submitter. Criteria: Ambry Variant Classification Scheme 2023. Collection method: clinical testing. Allele origin: germline.

GeneDx
Classification: Uncertain significance. Last evaluated: 2016-10-06. Review status: criteria provided, single submitter. Criteria: GeneDx Variant Classification (06012015). Collection method: clinical testing. Allele origin: germline. Affected: yes.
Comment: The M1551T variant in the COL4A5 gene has not been reported previously as a pathogenic variant, nor as a benign variant, to our knowledge. The M1551T variant was not observed in approximately 6500 individuals of European and African American ancestry in the NHLBI Exome Sequencing Project, indicating it is not a common benign variant in these populations. The M1551T variant is a non-conservative amino acid substitution, which is likely to impact secondary protein structure as these residues differ in polarity, charge, size and/or other properties. This substitution occurs at a position where amino acids with similar properties to Methionine are tolerated across species. In silico analysis predicts this variant is probably damaging to the protein structure/function. Therefore, we interpret M1551T as a variant of uncertain significance.

Natera, Inc.
Classification: Uncertain significance for X-linked Alport syndrome. Last evaluated: 2021-08-16. Review status: no assertion criteria provided. Collection method: clinical testing. Allele origin: germline. Not counted in ClinVar's aggregate classification.